The following is an entry in ClinVar:

ClinVar aggregate classification (germline): Likely benign. Review status: criteria provided, multiple submitters, no conflicts (2 of 4 stars). 4 submissions from 4 submitters: Likely benign (4). Last evaluated 2025-12-21.

Conditions:
Developmental and epileptic encephalopathy, 33 (DEE33). Also called: Epileptic encephalopathy, early infantile, 33. Identifiers: Orphanet 442835, MedGen C4225337, MONDO:0014625, OMIM 616409.
Inborn genetic diseases. Identifiers: MedGen C0950123, MeSH D030342.

Allele frequency attached by ClinVar (database versions not stated): TOPMed 0.00009; 1000 Genomes Project 0.00020.
gnomAD v4.1: 44 of 1,548,664 alleles (0.0028%); highest among the groups gnomAD compares: East Asian, 0.054%; no homozygotes.

Submissions (4):

Labcorp Genetics (formerly Invitae), Labcorp
Classification: Likely benign for Developmental and epileptic encephalopathy, 33. Last evaluated: 2025-12-21. Review status: criteria provided, single submitter. Criteria: Invitae Variant Classification Sherloc (09022015). Collection method: clinical testing. Allele origin: germline.

CeGaT Center for Human Genetics Tuebingen
Classification: Likely benign. Last evaluated: 2025-09-01. Review status: criteria provided, single submitter. Criteria: CeGaT Center For Human Genetics Tuebingen Variant Classification Criteria Version 2. Collection method: clinical testing. Allele origin: germline. Affected: yes. Observed: 1 variant allele.
Comment: EEF1A2: BP4, BP7

Blueprint Genetics
Classification: Likely benign. Last evaluated: 2024-01-22. Review status: criteria provided, single submitter. Criteria: ACMG Guidelines, 2015. Collection method: clinical testing. Allele origin: germline.

Ambry Genetics
Classification: Likely benign for Inborn genetic diseases. Last evaluated: 2017-06-14. Review status: criteria provided, single submitter. Criteria: Ambry Variant Classification Scheme 2023. Collection method: clinical testing. Allele origin: germline.

NM_001958.5(EEF1A2):c.714C>G (p.Pro238=)

Gene: EEF1A2 (eukaryotic translation elongation factor 1 alpha 2; minus strand). Cytogenetic location: 20q13.33.
Variant type: single nucleotide variant.
Coding change: c.714C>G on transcript NM_001958.5 (MANE Select); coding-DNA position 714, C replaced by G.
Protein change: p.Pro238=; no amino-acid change (proline 238 retained).
Molecular consequence: synonymous variant.
Genome position (GRCh38, 1-based): chr20:63,493,195, G>C on the plus strand (C>G on the coding strand, the complement: EEF1A2 is on the minus strand). VCF-style: chr20-63493195-G-C. GRCh37 (hg19) VCF-style: chr20-62124548-G-C.
Identifiers: ClinVar variation 476038 (VCV000476038.22), dbSNP rs557317848, ClinGen allele CA9959043.